The following is an entry in ClinVar:

ClinVar aggregate classification (germline): Uncertain significance (1 of 4 stars; one submission).

Conditions:
Familial thoracic aortic aneurysm and aortic dissection (TAAD). Also called: Thoracic aortic aneurysms and dissections. Identifiers: Orphanet 91387, MedGen C4707243, MONDO:0019625.

Submission:

All of Us Research Program, National Institutes of Health
Classification: Uncertain significance for Familial thoracic aortic aneurysm and aortic dissection. Last evaluated: 2024-05-24. Review status: criteria provided, single submitter. Criteria: ACMG Guidelines, 2015. Collection method: clinical testing. Allele origin: germline. Inheritance: Autosomal dominant inheritance. Observed: 1 variant allele, 1 heterozygote.
Comment: This variant is predicted to result in loss of protein function through nonsense-mediated decay or protein truncation, however MYH11 haploinsufficiency is not known to be a mechanism of disease (PMID: 16444274, 29575632, 25407000). This prediction has not been confirmed by functional studies. To date, this variant has not been reported in association with human disease in the medical literature. This variant is absent from or rare in large population databases, including the Genome Aggregation Database.

This study involves interpretation of variants in research participants for the purpose of population health screening. Participant phenotype was not available at the time of variant classification. Additional details can be found in publication PMID: 35346344, PMCID: PMC8962531

Literature cited by the submitters: PubMed 16444274; PubMed 25407000; PubMed 29575632.

NM_002474.3(MYH11):c.5437A>T (p.Lys1813Ter)

Genes: NDE1 (nudE neurodevelopment protein 1; plus strand), MYH11 (myosin heavy chain 11; minus strand). Cytogenetic location: 16p13.11.
Variant type: single nucleotide variant.
Coding change: c.5437A>T on transcript NM_002474.3 (MANE Select); coding-DNA position 5437, A replaced by T.
Protein change: p.Lys1813Ter; replaces lysine 1813 with a stop codon.
Molecular consequence: nonsense. On other transcripts: intron variant (2).
Genome position (GRCh38, 1-based): chr16:15,717,207, T>A on the plus strand (A>T on the coding strand, the complement: MYH11 is on the minus strand). VCF-style: chr16-15717207-T-A. GRCh37 (hg19) VCF-style: chr16-15811064-T-A.
Other names: c.5458A>T, p.Lys1820Ter (NM_001040113.2, NM_001040114.2); c.5437A>T, p.Lys1813Ter (NM_022844.3); c.948-6984T>A (NM_001143979.2, NM_017668.3); short protein forms K1813*, K1820*.
Identifiers: ClinVar variation 3387166 (VCV003387166.1).